The following is an entry in ClinVar:

NM_000286.3(PEX12):c.143A>T (p.Asn48Ile)

Gene: PEX12 (peroxisomal biogenesis factor 12; minus strand). Cytogenetic location: 17q12.
Variant type: single nucleotide variant.
Coding change: c.143A>T on transcript NM_000286.3 (MANE Select); coding-DNA position 143, A replaced by T.
Protein change: p.Asn48Ile; replaces asparagine 48 with isoleucine.
Molecular consequence: missense variant.
Genome position (GRCh38, 1-based): chr17:35,577,575, T>A on the plus strand (A>T on the coding strand, the complement: PEX12 is on the minus strand). VCF-style: chr17-35577575-T-A. GRCh37 (hg19) VCF-style: chr17-33904594-T-A.
Other names: short protein forms N48I.
Identifiers: ClinVar variation 1977486 (VCV001977486.3), dbSNP rs936321326, ClinGen allele CA290069842.
Genomic context (GRCh38, chr17:35,577,575, plus strand): 5'-AGATCTAGCAGAGTAAAGATTTCATCAAACCACCTCCACAAGAAGCCATAGTGGGTGGGA[T>A]TTGATTCTGCAAGAACCTAAAGCAAAATAAAGCAATAAGTGAAATTCATTCCATTACACA-3'
Protein context (NP_000277.1, residues 38-58): QHVVKVLAES[Asn48Ile]PTHYGFLWRW

ClinVar aggregate classification (germline): Uncertain significance (1 of 4 stars; one submission).

Conditions:
Peroxisome biogenesis disorder 3A (Zellweger). Also called: PEROXISOMAL BIOGENESIS DISORDER 3A (ZELLWEGER); Peroxisome biogenesis disorder 3A. Identifiers: Orphanet 912, MedGen C3553929, MONDO:0013927, OMIM 614859.

Allele frequency attached by ClinVar (database versions not stated): gnomAD 0.00001; TOPMed 0.00001.

Submission:

Labcorp Genetics (formerly Invitae), Labcorp
Classification: Uncertain significance for Peroxisome biogenesis disorder 3A (Zellweger). Last evaluated: 2022-03-20. Review status: criteria provided, single submitter. Criteria: Invitae Variant Classification Sherloc (09022015). Collection method: clinical testing. Allele origin: germline.
Comment: In summary, the available evidence is currently insufficient to determine the role of this variant in disease. Therefore, it has been classified as a Variant of Uncertain Significance. Algorithms developed to predict the effect of missense changes on protein structure and function are either unavailable or do not agree on the potential impact of this missense change (SIFT: "Tolerated"; PolyPhen-2: "Possibly Damaging"; Align-GVGD: "Class C0"). This variant has not been reported in the literature in individuals affected with PEX12-related conditions. This variant is not present in population databases (gnomAD no frequency). This sequence change replaces asparagine, which is neutral and polar, with isoleucine, which is neutral and non-polar, at codon 48 of the PEX12 protein (p.Asn48Ile).